The following is an entry in ClinVar:

NM_001079843.3(CASZ1):c.3061G>A (p.Gly1021Ser)

Gene: CASZ1 (castor zinc finger 1; minus strand). Cytogenetic location: 1p36.22.
Variant type: single nucleotide variant.
Coding change: c.3061G>A on transcript NM_001079843.3 (MANE Select); coding-DNA position 3061, G replaced by A.
Protein change: p.Gly1021Ser; replaces glycine 1021 with serine.
Molecular consequence: missense variant.
Genome position (GRCh38, 1-based): chr1:10,649,167, C>T on the plus strand (G>A on the coding strand, the complement: CASZ1 is on the minus strand). VCF-style: chr1-10649167-C-T. GRCh37 (hg19) VCF-style: chr1-10709224-C-T.
Other names: c.3061G>A, p.Gly1021Ser (NM_017766.5); short protein forms G1021S.
Identifiers: ClinVar variation 2865239 (VCV002865239.4), dbSNP rs201245525, ClinGen allele CA584605.

ClinVar aggregate classification (germline): Conflicting classifications of pathogenicity. Review status: criteria provided, conflicting classifications (1 of 4 stars). 2 submissions from 2 submitters: Uncertain significance (1); Likely benign (1). Last evaluated 2025-02-16.

Allele frequency attached by ClinVar (database versions not stated): TOPMed 0.00003; gnomAD exomes 0.00005; ESP Exome Variant Server 0.00015.
gnomAD v4.1: 69 of 1,613,574 alleles (0.0043%); highest among the groups gnomAD compares: South Asian, 0.034%; 1 homozygote.

Submissions (2):

Laboratory of Genetics, Children's Clinical University Hospital Latvia
Classification: Likely benign. Last evaluated: 2025-02-16. Review status: criteria provided, single submitter. Criteria: ACMG Guidelines, 2015. Collection method: clinical testing. Allele origin: germline. Affected: yes.

Labcorp Genetics (formerly Invitae), Labcorp
Classification: Uncertain significance. Last evaluated: 2024-12-19. Review status: criteria provided, single submitter. Criteria: Invitae Variant Classification Sherloc (09022015). Collection method: clinical testing. Allele origin: germline.
Comment: This sequence change replaces glycine, which is neutral and non-polar, with serine, which is neutral and polar, at codon 1021 of the CASZ1 protein (p.Gly1021Ser). This variant is present in population databases (rs201245525, gnomAD 0.02%). This variant has not been reported in the literature in individuals affected with CASZ1-related conditions. ClinVar contains an entry for this variant (Variation ID: 2865239). An algorithm developed to predict the effect of missense changes on protein structure and function (PolyPhen-2) suggests that this variant is likely to be tolerated. In summary, the available evidence is currently insufficient to determine the role of this variant in disease. Therefore, it has been classified as a Variant of Uncertain Significance.